The following is an entry in ClinVar:

NM_138295.5(PKD1L1):c.801T>C (p.Ser267=)

Gene: PKD1L1 (polycystin 1 like 1, transient receptor potential channel interacting; minus strand). Cytogenetic location: 7p12.3.
Variant type: single nucleotide variant.
Coding change: c.801T>C on transcript NM_138295.5 (MANE Select); coding-DNA position 801, T replaced by C.
Protein change: p.Ser267=; no amino-acid change (serine 267 retained).
Molecular consequence: synonymous variant.
Genome position (GRCh38, 1-based): chr7:47,929,463, A>G on the plus strand (T>C on the coding strand, the complement: PKD1L1 is on the minus strand). VCF-style: chr7-47929463-A-G. GRCh37 (hg19) VCF-style: chr7-47969060-A-G.
Identifiers: ClinVar variation 2657464 (VCV002657464.24), dbSNP rs542461581, ClinGen allele CA4254222.
Genomic context (GRCh38, chr7:47,929,463, plus strand): 5'-ATCAGAATTTCGAGCTAGGATGGCCACAGGAGGATGCTGAGTAGGGGGATAGAGGATCTC[A>G]GAACCAGACTGCGATGCCGTGAAGCTGGGGGTGCGAGGAATGCCAGGCGGAAGGCCGTGG-3'
Protein context (NP_612152.1, residues 257-277): TPSFTASQSG[Ser267=]EILYPPTQHP

ClinVar aggregate classification (germline): Likely benign (1 of 4 stars; one submission).

Allele frequency attached by ClinVar (database versions not stated): gnomAD 0.00005; gnomAD exomes 0.00010; 1000 Genomes Project 30x 0.00016; 1000 Genomes Project 0.00020; ExAC 0.00021.
gnomAD v4.1: 150 of 1,614,112 alleles (0.0093%); highest among the groups gnomAD compares: South Asian, 0.16%; 2 homozygotes.

Submission:

CeGaT Center for Human Genetics Tuebingen
Classification: Likely benign. Last evaluated: 2022-05-01. Review status: criteria provided, single submitter. Criteria: CeGaT Center For Human Genetics Tuebingen Variant Classification Criteria Version 2. Collection method: clinical testing. Allele origin: germline. Affected: yes. Observed: 1 variant allele.
Comment: PKD1L1: BP4, BP7